The following is an entry in ClinVar:

NM_000237.3(LPL):c.272G>C (p.Trp91Ser)

Gene: LPL (lipoprotein lipase; plus strand). Cytogenetic location: 8p21.3.
Variant type: single nucleotide variant.
Coding change: c.272G>C on transcript NM_000237.3 (MANE Select); coding-DNA position 272, G replaced by C.
Protein change: p.Trp91Ser; replaces tryptophan 91 with serine.
Molecular consequence: missense variant.
Genome position (GRCh38, 1-based): chr8:19,951,791, G>C. VCF-style: chr8-19951791-G-C. GRCh37 (hg19) VCF-style: chr8-19809302-G-C.
Other names: short protein forms W91S.
Identifiers: ClinVar variation 2662202 (VCV002662202.1), dbSNP rs118204070, ClinGen allele CA370467390.

ClinVar aggregate classification (germline): Uncertain significance (1 of 4 stars; one submission).

Submission:

GeneDx
Classification: Uncertain significance. Last evaluated: 2023-05-08. Review status: criteria provided, single submitter. Criteria: GeneDx Variant Classification Process June 2021. Collection method: clinical testing. Allele origin: germline. Affected: yes.
Comment: Has not been previously published as pathogenic or benign to our knowledge; Not observed at significant frequency in large population cohorts (gnomAD); In silico analysis supports that this missense variant has a deleterious effect on protein structure/function